The following is an entry in ClinVar:

ClinVar aggregate classification (germline): Benign (1 of 4 stars; one submission).

Conditions:
Hyperglycinuria. Also called: GLYCINURIA WITH OR WITHOUT OXALATE NEPHROLITHIASIS; GLYCINURIA WITH OR WITHOUT OXALATE UROLITHIASIS; IMINOGLYCINURIA TYPE II. Identifiers: MedGen C0543541, MONDO:0007677, OMIM 138500, HP:0003108.

Allele frequency attached by ClinVar (database versions not stated): gnomAD 0.06000 and 0.06456; 1000 Genomes Project 0.06589; TOPMed 0.06926; 1000 Genomes Project 30x 0.07277.

Submission:

Illumina Laboratory Services, Illumina
Classification: Benign for Hyperglycinuria. Last evaluated: 2018-01-12. Review status: criteria provided, single submitter. Criteria: ICSL Variant Classification Criteria 13 December 2019. Collection method: clinical testing. Allele origin: germline.
Comment: This variant was observed in the ICSL laboratory as part of a predisposition screen in an ostensibly healthy population. It had not been previously curated by ICSL or reported in the Human Gene Mutation Database (HGMD: prior to June 1st, 2018), and was therefore a candidate for classification through an automated scoring system. Utilizing variant allele frequency, disease prevalence and penetrance estimates, and inheritance mode, an automated score was calculated to assess if this variant is too frequent to cause the disease. Based on the score and internal cut-off values, a variant classified as benign is not then subjected to further curation. The score for this variant resulted in a classification of benign for this disease.

NM_020208.4(SLC6A20):c.*2479A>G

Gene: SLC6A20 (solute carrier family 6 member 20; minus strand). Cytogenetic location: 3p21.31.
Variant type: single nucleotide variant.
Coding change: c.*2479A>G on transcript NM_020208.4 (MANE Select); 2479 bases downstream of the stop codon, A replaced by G.
Molecular consequence: 3 prime UTR variant.
Genome position (GRCh38, 1-based): chr3:45,756,499, T>C on the plus strand (A>G on the coding strand, the complement: SLC6A20 is on the minus strand). VCF-style: chr3-45756499-T-C. GRCh37 (hg19) VCF-style: chr3-45797991-T-C.
Other names: c.*2479A>G (NM_022405.4).
Identifiers: ClinVar variation 345356 (VCV000345356.5), dbSNP rs17078308, ClinGen allele CA10615954.
Genomic context (GRCh38, chr3:45,756,499, plus strand): 5'-AAGATTAAATCCATGGGGTACATGCTGGTTCATACATTTGAAAGTCAAATGTATGATAAC[T>C]GGACAATCAGGTGAAGCTGGAAGATGAGATGGTTGCTGAAGACAGTAGAAGACCTTTCTA-3'